The following is an entry in ClinVar:

ClinVar aggregate classification (germline): Likely benign. Review status: criteria provided, multiple submitters, no conflicts (2 of 4 stars). 2 submissions from 2 submitters: Likely benign (2). Last evaluated 2026-07-07.

Conditions:
Rhabdoid tumor predisposition syndrome 2 (RTPS2). Identifiers: Orphanet 231108, Orphanet 69077, MedGen C2750074, MONDO:0013224, OMIM 613325.

Allele frequency attached by ClinVar (database versions not stated): gnomAD exomes 0.00001 and below 0.00001; ExAC 0.00002; gnomAD 0.00002.
gnomAD v4.1: 5 of 1,585,868 alleles (0.00032%); highest among the groups gnomAD compares: South Asian, 0.0055%; no homozygotes.

Submissions (2):

Myriad Genetics, Inc.
Classification: Likely benign for Rhabdoid tumor predisposition syndrome 2. Last evaluated: 2026-07-07. Review status: criteria provided, single submitter. Criteria: Myriad Autosomal Dominant, Autosomal Recessive and X-Linked Classification Criteria (2023). Collection method: clinical testing. Allele origin: unknown.
Comment: This variant is considered likely benign. This variant is intronic and is not expected to impact mRNA splicing.

Labcorp Genetics (formerly Invitae), Labcorp
Classification: Likely benign for Rhabdoid tumor predisposition syndrome 2. Last evaluated: 2025-11-11. Review status: criteria provided, single submitter. Criteria: Invitae Variant Classification Sherloc (09022015). Collection method: clinical testing. Allele origin: germline.

NM_003072.5(SMARCA4):c.2974-15A>G

Gene: SMARCA4 (SWI/SNF related BAF chromatin remodeling complex subunit ATPase 4; plus strand). Cytogenetic location: 19p13.2.
Variant type: single nucleotide variant.
Coding change: c.2974-15A>G on transcript NM_003072.5 (MANE Select); 15 bases into the intron before coding-DNA position 2974, A replaced by G.
Molecular consequence: intron variant.
Genome position (GRCh38, 1-based): chr19:11,024,316, A>G. VCF-style: chr19-11024316-A-G. GRCh37 (hg19) VCF-style: chr19-11134992-A-G.
Other names: c.2974-15A>G (NM_001128844.3, NM_001128849.3, NM_001128847.4 and 5 more transcripts).
Identifiers: ClinVar variation 1429191 (VCV001429191.10), dbSNP rs765658699, ClinGen allele CA9204289.